The following is an entry in ClinVar:

ClinVar aggregate classification (germline): Pathogenic. Review status: criteria provided, multiple submitters, no conflicts (2 of 4 stars). 6 submissions from 6 submitters: Pathogenic (6). Last evaluated 2025-08-28.

Conditions:
Costello syndrome (CSTLO). Also called: FACIOCUTANEOSKELETAL SYNDROME; HRAS-Related Costello Syndrome; FCS SYNDROME. Identifiers: Orphanet 3071, MedGen C0587248, MONDO:0009026, OMIM 218040.

Submissions (6):

Molecular Diagnostics Lab, Nemours Children's Health, Delaware
Classification: Pathogenic for Costello syndrome. Last evaluated: 2025-08-28. Review status: criteria provided, single submitter. Criteria: ACMG Guidelines, 2015. Collection method: clinical testing. Allele origin: de novo. Affected: yes. Observed: 1 heterozygote.

Labcorp Genetics (formerly Invitae), Labcorp
Classification: Pathogenic for Costello syndrome. Last evaluated: 2023-06-09. Review status: criteria provided, single submitter. Criteria: Invitae Variant Classification Sherloc (09022015). Collection method: clinical testing. Allele origin: germline.
Comment: Information on the frequency of this variant in the gnomAD database is not available, as this variant may be reported differently in the database. This sequence change replaces glycine, which is neutral and non-polar, with valine, which is neutral and non-polar, at codon 12 of the HRAS protein (p.Gly12Val). RNA analysis indicates that this missense change induces altered splicing and is likely to result in the loss of the initiator methionine. This missense change has been observed in individual(s) with Costello syndrome (PMID: 16170316, 27195699). In at least one individual the variant was observed to be de novo. For these reasons, this variant has been classified as Pathogenic. Studies have shown that this missense change results in skipping of exon 2, and is expected to result in the loss of the initiator methionine (PMID: 27195699). Experimental studies have shown that this missense change affects HRAS function (PMID: 24224811). An algorithm developed to predict the effect of missense changes on protein structure and function (PolyPhen-2) suggests that this variant is likely to be disruptive. ClinVar contains an entry for this variant (Variation ID: 1209208).

GeneDx
Classification: Pathogenic. Last evaluated: 2022-01-25. Review status: criteria provided, single submitter. Criteria: GeneDx Variant Classification Process June 2021. Collection method: clinical testing. Allele origin: germline. Affected: yes.
Comment: Published functional studies demonstrate increased active GTP-bound HRAS, which upregulates the Ras/MAPK pathway, and a mouse model harboring the Hras G12V variant shows neurological deficits and cognitive impairment (Viosca et al., 2009; Wey et al., 2013); Missense variants in this gene are often considered pathogenic (HGMD); Not observed in large population cohorts (gnomAD); In silico analysis supports a deleterious effect on protein structure/function; This variant is associated with the following publications: (PMID: 27195699, 22325359, 31172278, 19371735, 18823404, 23093928, 22584058, 24224811, 25133308, 16443854, 16170316, 22495892, 29493581)

Equipe Genetique des Anomalies du Developpement, Université de Bourgogne
Classification: Pathogenic for Costello syndrome. Last evaluated: 2021-11-24. Review status: criteria provided, single submitter. Criteria: ACMG Guidelines, 2015. Collection method: clinical testing. Allele origin: de novo. Affected: yes.

Women's Health and Genetics/Laboratory Corporation of America, LabCorp
Classification: Pathogenic for Costello syndrome. Last evaluated: 2021-09-23. Review status: criteria provided, single submitter. Criteria: LabCorp Variant Classification Summary - May 2015. Collection method: clinical testing. Allele origin: germline.
Comment: Variant summary: HRAS c.35_36delinsTT (p.Gly12Val) results in a non-conservative amino acid change located in the Small GTP-binding protein domain of the encoded protein sequence. Three of five in-silico tools predict a damaging effect of the variant on protein function. The variant was absent in 281670 control chromosomes. p.Gly12Val has been reported in the literature in multiple individuals affected with Costello Syndrome (e.g. Quelin_2017). These data indicate that the variant is very likely to be associated with disease. One clinical diagnostic laboratory has submitted clinical-significance assessments for this variant to ClinVar after 2014 without evidence for independent evaluation and classified the variant as pathogenic/likely pathogenic. Based on the evidence outlined above, the variant was classified as pathogenic.

Illumina Laboratory Services, Illumina
Classification: Pathogenic for Costello syndrome. Last evaluated: 2019-10-29. Review status: criteria provided, single submitter. Criteria: ICSLVariantClassificationCriteria RUGD 01 April 2020. Collection method: clinical testing. Allele origin: unknown.
Comment: The HRAS c.35_36delGCinsTT p.(Gly12Val) missense variant is a recurrent missense variant typically associated a with a severe presentation of Costello syndrome. This variant has been identified in individuals with a phenotype consistent with Costello syndrome (Aoki et al. 2005; van der Burgt et al. 2007; Burkitt-Wright et al. 2012; Altmüller et al. 2017). Collectively, missense variants at p.Gly12 or p.Gly13 account for the majority of disease-causing variants found in individuals with Costello syndrome and many have been shown to have a gain of function effect (Gripp and Lin 2012; Gripp and Rauen 2019). This variant is not observed in version 2.1.1 of the Genome Aggregation Database. Based on the available evidence the c.35_36delGCinsTT p.(Gly12Val) variant is classified as pathogenic for Costello syndrome.

Literature cited by the submitters: PubMed 16170316 (cited by Labcorp Genetics (formerly Invitae), Labcorp); PubMed 27195699 (cited by Labcorp Genetics (formerly Invitae), Labcorp); PubMed 24224811 (cited by Labcorp Genetics (formerly Invitae), Labcorp); PubMed 28455154 (cited by Women's Health and Genetics/Laboratory Corporation of America, LabCorp).

NM_005343.4(HRAS):c.35_36delinsTT (p.Gly12Val)

Genes: HRAS (HRas proto-oncogene, GTPase; minus strand), LRRC56 (leucine rich repeat containing 56; plus strand). Cytogenetic location: 11p15.5.
Variant type: Indel.
Coding change: c.35_36delinsTT on transcript NM_005343.4 (MANE Select); coding-DNA positions 35 to 36, GC replaced by TT.
Protein change: p.Gly12Val; replaces glycine 12 with valine.
Molecular consequence: missense variant. On other transcripts: 5 prime UTR variant (1).
Genome position (GRCh38, 1-based): chr11:534,287-534,288, GC replaced by AA on the plus strand (GC replaced by TT on the coding strand, the reverse complement: HRAS is on the minus strand). VCF-style: chr11-534287-GC-AA. GRCh37 (hg19) VCF-style: chr11-534287-GC-AA.
Other names: c.35_36delinsTT, p.Gly12Val (NM_001130442.3, NM_176795.5); c.-285_-284delinsTT (NM_001318054.2); c.35_36delGCinsTT (NM_005343.2, NM_005343.4); short protein forms G12V.
Identifiers: ClinVar variation 1209208 (VCV001209208.12), dbSNP rs727503094, ClinGen allele CA658795203.